The following is an entry in ClinVar:

NM_004618.5(TOP3A):c.431T>C (p.Val144Ala)

Gene: TOP3A (DNA topoisomerase III alpha; minus strand). Cytogenetic location: 17p11.2.
Variant type: single nucleotide variant.
Coding change: c.431T>C on transcript NM_004618.5 (MANE Select); coding-DNA position 431, T replaced by C.
Protein change: p.Val144Ala; replaces valine 144 with alanine.
Molecular consequence: missense variant.
Genome position (GRCh38, 1-based): chr17:18,305,180, A>G on the plus strand (T>C on the coding strand, the complement: TOP3A is on the minus strand). VCF-style: chr17-18305180-A-G. GRCh37 (hg19) VCF-style: chr17-18208494-A-G.
Other names: c.146T>C, p.Val49Ala (NM_001320759.2); short protein forms V144A, V49A.
Identifiers: ClinVar variation 1917618 (VCV001917618.3), dbSNP rs1247283089, ClinGen allele CA398640347.

ClinVar aggregate classification (germline): Uncertain significance (1 of 4 stars; one submission).

Allele frequency attached by ClinVar (database versions not stated): TOPMed below 0.00001.

Submission:

Labcorp Genetics (formerly Invitae), Labcorp
Classification: Uncertain significance. Last evaluated: 2022-07-13. Review status: criteria provided, single submitter. Criteria: Invitae Variant Classification Sherloc (09022015). Collection method: clinical testing. Allele origin: germline.
Comment: In summary, the available evidence is currently insufficient to determine the role of this variant in disease. Therefore, it has been classified as a Variant of Uncertain Significance. Algorithms developed to predict the effect of missense changes on protein structure and function are either unavailable or do not agree on the potential impact of this missense change (SIFT: "Not Available"; PolyPhen-2: "Possibly Damaging"; Align-GVGD: "Not Available"). This variant has not been reported in the literature in individuals affected with TOP3A-related conditions. This variant is not present in population databases (gnomAD no frequency). This sequence change replaces valine, which is neutral and non-polar, with alanine, which is neutral and non-polar, at codon 144 of the TOP3A protein (p.Val144Ala).